The following is an entry in ClinVar:

NM_001375567.1(FOCAD):c.4524T>G (p.Ser1508Arg)

Gene: FOCAD (focadhesin; plus strand). Cytogenetic location: 9p21.3.
Variant type: single nucleotide variant.
Coding change: c.4524T>G on transcript NM_001375567.1 (MANE Select); coding-DNA position 4524, T replaced by G.
Protein change: p.Ser1508Arg; replaces serine 1508 with arginine.
Molecular consequence: missense variant.
Genome position (GRCh38, 1-based): chr9:20,981,572, T>G. VCF-style: chr9-20981572-T-G. GRCh37 (hg19) VCF-style: chr9-20981571-T-G.
Other names: c.4419T>G, p.Ser1473Arg (NM_001375568.1, NM_001375570.1); c.4524T>G, p.Ser1508Arg (NM_017794.5); short protein forms S1508R, S1473R.
Identifiers: ClinVar variation 3632247 (VCV003632247.2).

ClinVar aggregate classification (germline): Uncertain significance (1 of 4 stars; one submission).

Submission:

Labcorp Genetics (formerly Invitae), Labcorp
Classification: Uncertain significance. Last evaluated: 2024-11-06. Review status: criteria provided, single submitter. Criteria: Invitae Variant Classification Sherloc (09022015). Collection method: clinical testing. Allele origin: germline.
Comment: This sequence change replaces serine, which is neutral and polar, with arginine, which is basic and polar, at codon 1508 of the FOCAD protein (p.Ser1508Arg). This variant is not present in population databases (gnomAD no frequency). This variant has not been reported in the literature in individuals affected with FOCAD-related conditions. Experimental studies and prediction algorithms are not available or were not evaluated, and the functional significance of this variant is currently unknown. In summary, the available evidence is currently insufficient to determine the role of this variant in disease. Therefore, it has been classified as a Variant of Uncertain Significance.